The following is an entry in ClinVar:

ClinVar aggregate classification (germline): Uncertain significance (0 of 4 stars; one submission).

Conditions:
BBS1-related disorder. Also called: BBS1-related condition.

Submission:

PreventionGenetics, part of Exact Sciences
Classification: Uncertain significance for BBS1-related condition. Last evaluated: 2024-04-18. Review status: no assertion criteria provided. Collection method: clinical testing. Allele origin: germline.
Comment: The BBS1 c.1295_1309del15 variant is predicted to result in an in-frame deletion (p.Arg432_Asp436del). To our knowledge, this variant has not been reported in the literature or in a large population database, indicating this variant is rare. At this time, the clinical significance of this variant is uncertain due to the absence of conclusive functional and genetic evidence.

NM_024649.5(BBS1):c.1295_1309del (p.Arg432_Asp436del)

Genes: BBS1 (Bardet-Biedl syndrome 1; plus strand), ZDHHC24 (zDHHC palmitoyltransferase 24; minus strand). Cytogenetic location: 11q13.2.
Variant type: Deletion.
Coding change: c.1295_1309del on transcript NM_024649.5 (MANE Select); coding-DNA positions 1295 to 1309, 15 bases deleted (GGCTTTACGTGGATC).
Protein change: p.Arg432_Asp436del.
Molecular consequence: inframe deletion. On other transcripts: intron variant (1).
Genome position (GRCh38, 1-based): chr11:66,526,763-66,526,777, GGCTTTACGTGGATC deleted; deleting any 15 consecutive bases within chr11:66,526,762-66,526,777 gives the same sequence; the c. name uses the placement nearest the transcript's 3' end. VCF-style (leftmost placement, unchanged base first): chr11-66526761-CCGGCTTTACGTGGAT-C. GRCh37 (hg19) VCF-style: chr11-66294232-CCGGCTTTACGTGGAT-C.
Other names: c.*21+160_*21+174del (NM_001348571.2).
Identifiers: ClinVar variation 3344093 (VCV003344093.1).